The following is an entry in ClinVar:

ClinVar aggregate classification (germline): Uncertain significance. Review status: criteria provided, multiple submitters, no conflicts (2 of 4 stars). 2 submissions from 2 submitters: Uncertain significance (2). Last evaluated 2024-04-04.

Conditions:
Inborn genetic diseases. Identifiers: MedGen C0950123, MeSH D030342.
Deficiency of acetyl-CoA acetyltransferase. Also called: MITOCHONDRIAL ACETOACETYL-CoA THIOLASE DEFICIENCY; Beta-ketothiolase deficiency; 3-KETOTHIOLASE DEFICIENCY; 3-OXOTHIOLASE DEFICIENCY. Identifiers: Orphanet 134, MedGen C1536500, MONDO:0008760, OMIM 203750. Disease mechanism: loss of function.

Allele frequency attached by ClinVar (database versions not stated): gnomAD exomes below 0.00001; TOPMed below 0.00001.
gnomAD v4.1: 2 of 1,613,988 alleles (0.00012%); highest among the groups gnomAD compares: Non-Finnish European, 0.00017%; no homozygotes.

Submissions (2):

Ambry Genetics
Classification: Uncertain significance for Inborn genetic diseases. Last evaluated: 2024-04-04. Review status: criteria provided, single submitter. Criteria: Ambry Variant Classification Scheme 2023. Collection method: clinical testing. Allele origin: germline.

Labcorp Genetics (formerly Invitae), Labcorp
Classification: Uncertain significance for Deficiency of acetyl-CoA acetyltransferase. Last evaluated: 2022-07-28. Review status: criteria provided, single submitter. Criteria: Invitae Variant Classification Sherloc (09022015). Collection method: clinical testing. Allele origin: germline.
Comment: This sequence change replaces tyrosine, which is neutral and polar, with histidine, which is basic and polar, at codon 407 of the ACAT1 protein (p.Tyr407His). This variant is not present in population databases (gnomAD no frequency). This variant has not been reported in the literature in individuals affected with ACAT1-related conditions. Advanced modeling of protein sequence and biophysical properties (such as structural, functional, and spatial information, amino acid conservation, physicochemical variation, residue mobility, and thermodynamic stability) performed at Invitae indicates that this missense variant is not expected to disrupt ACAT1 protein function. In summary, the available evidence is currently insufficient to determine the role of this variant in disease. Therefore, it has been classified as a Variant of Uncertain Significance.

NM_000019.4(ACAT1):c.1219T>C (p.Tyr407His)

Gene: ACAT1 (acetyl-CoA acetyltransferase 1; plus strand). Cytogenetic location: 11q22.3.
Variant type: single nucleotide variant.
Coding change: c.1219T>C on transcript NM_000019.4 (MANE Select); coding-DNA position 1219, T replaced by C.
Protein change: p.Tyr407His; replaces tyrosine 407 with histidine.
Molecular consequence: missense variant. On other transcripts: non-coding transcript variant (2).
Genome position (GRCh38, 1-based): chr11:108,147,325, T>C. VCF-style: chr11-108147325-T-C. GRCh37 (hg19) VCF-style: chr11-108018052-T-C.
Other names: c.1240T>C, p.Tyr414His (NM_001386677.1); c.904T>C, p.Tyr302His (NM_001386678.1); c.922T>C, p.Tyr308His (NM_001386679.1); c.949T>C, p.Tyr317His (NM_001386681.1, NM_001386682.1, NM_001386685.1 and 6 more transcripts); c.1219T>C (NM_000019.3); short protein forms Y407H, Y414H, Y302H, Y308H, Y317H.
Identifiers: ClinVar variation 1922566 (VCV001922566.3), dbSNP rs2077739478, ClinGen allele CA382508806.